The following is an entry in ClinVar:

NM_014629.4(ARHGEF10):c.1645C>T (p.Leu549Phe)

Gene: ARHGEF10 (Rho guanine nucleotide exchange factor 10; plus strand). Cytogenetic location: 8p23.3.
Variant type: single nucleotide variant.
Coding change: c.1645C>T on transcript NM_014629.4 (MANE Select); coding-DNA position 1645, C replaced by T.
Protein change: p.Leu549Phe; replaces leucine 549 with phenylalanine.
Molecular consequence: missense variant.
Genome position (GRCh38, 1-based): chr8:1,898,520, C>T. VCF-style: chr8-1898520-C-T. GRCh37 (hg19) VCF-style: chr8-1846686-C-T.
Other names: c.1531C>T, p.Leu511Phe (NM_001308152.2); c.1645C>T, p.Leu549Phe (NM_001308153.3); short protein forms L573F, L511F, L549F.
Identifiers: ClinVar variation 1942934 (VCV001942934.5), dbSNP rs1419853509, ClinGen allele CA369960359.
Genomic context (GRCh38, chr8:1,898,520, plus strand): 5'-ACCACGCTCTACAGCCTGATGATGAAGCCCATCCAGAGGTTCCCACAGTTCATCCTCCTG[C>T]TCCAGGTAAGTGCTTCACGGAGACCTCCTCAAGCTAGTCCTCTGGCTCGCCCATGACTCA-3'
Protein context (NP_055444.2, residues 539-559): IQRFPQFILL[Leu549Phe]QDMLKNTSKG

ClinVar aggregate classification (germline): Uncertain significance (1 of 4 stars; one submission).

gnomAD v4.1: 2 of 1,614,000 alleles (0.00012%); highest among the groups gnomAD compares: Admixed American, 0.0033%; no homozygotes.

Submission:

Labcorp Genetics (formerly Invitae), Labcorp
Classification: Uncertain significance. Last evaluated: 2022-05-04. Review status: criteria provided, single submitter. Criteria: Invitae Variant Classification Sherloc (09022015). Collection method: clinical testing. Allele origin: germline.
Comment: This sequence change replaces leucine, which is neutral and non-polar, with phenylalanine, which is neutral and non-polar, at codon 549 of the ARHGEF10 protein (p.Leu549Phe). This variant is present in population databases (no rsID available, gnomAD 0.006%). In summary, the available evidence is currently insufficient to determine the role of this variant in disease. Therefore, it has been classified as a Variant of Uncertain Significance. Algorithms developed to predict the effect of missense changes on protein structure and function are either unavailable or do not agree on the potential impact of this missense change (SIFT: "Deleterious"; PolyPhen-2: "Probably Damaging"; Align-GVGD: "Class C0"). This variant has not been reported in the literature in individuals affected with ARHGEF10-related conditions.